The following is an entry in ClinVar:

ClinVar aggregate classification (germline): Uncertain significance (1 of 4 stars; one submission).

Submission:

CeGaT Center for Human Genetics Tuebingen
Classification: Uncertain significance. Last evaluated: 2026-04-01. Review status: criteria provided, single submitter. Criteria: CeGaT Center For Human Genetics Tuebingen Variant Classification Criteria Version 2. Collection method: clinical testing. Allele origin: germline. Affected: yes. Observed: 1 variant allele.
Comment: PIEZO2: PM2

NM_001378183.1(PIEZO2):c.4553A>T (p.Lys1518Met)

Gene: PIEZO2 (piezo type mechanosensitive ion channel component 2; minus strand). Cytogenetic location: 18p11.22.
Variant type: single nucleotide variant.
Coding change: c.4553A>T on transcript NM_001378183.1 (MANE Select); coding-DNA position 4553, A replaced by T.
Protein change: p.Lys1518Met; replaces lysine 1518 with methionine.
Molecular consequence: missense variant.
Genome position (GRCh38, 1-based): chr18:10,742,577, T>A on the plus strand (A>T on the coding strand, the complement: PIEZO2 is on the minus strand). VCF-style: chr18-10742577-T-A. GRCh37 (hg19) VCF-style: chr18-10742575-T-A.
Other names: c.4553A>T, p.Lys1518Met (NM_001410871.1); c.4478A>T, p.Lys1493Met (NM_022068.4); short protein forms K1493M, K1518M.
Identifiers: ClinVar variation 4874642 (VCV004874642.2).